The following is an entry in ClinVar:

ClinVar aggregate classification (germline): Uncertain significance. Review status: criteria provided, multiple submitters, no conflicts (2 of 4 stars). 2 submissions from 2 submitters: Uncertain significance (2). Last evaluated 2025-08-18.

Conditions:
Trichorhinophalangeal dysplasia type I (TRPS1). Also called: TRICHORHINOPHALANGEAL SYNDROME, TYPE I; TRPS I. Identifiers: Orphanet 77258, MedGen C0432233, MONDO:0008596, OMIM 190350.
Trichorhinophalangeal syndrome, type III (TRPS3). Also called: SUGIO-KAJII SYNDROME. Identifiers: Orphanet 77258, MedGen C1860823, OMIM 190351, MONDO:0008597.
Inborn genetic diseases. Identifiers: MedGen C0950123, MeSH D030342.

gnomAD v4.1: 7 of 1,613,918 alleles (0.00043%); highest among the groups gnomAD compares: Middle Eastern, 0.016%; no homozygotes.

Submissions (2):

Labcorp Genetics (formerly Invitae), Labcorp
Classification: Uncertain significance for Trichorhinophalangeal syndrome, type III; Trichorhinophalangeal dysplasia type I. Last evaluated: 2025-08-18. Review status: criteria provided, single submitter. Criteria: Invitae Variant Classification Sherloc (09022015). Collection method: clinical testing. Allele origin: germline.
Comment: This sequence change replaces isoleucine, which is neutral and non-polar, with valine, which is neutral and non-polar, at codon 687 of the TRPS1 protein (p.Ile687Val). This variant is present in population databases (no rsID available, gnomAD 0.007%). This variant has not been reported in the literature in individuals affected with TRPS1-related conditions. Invitae Evidence Modeling of protein sequence and biophysical properties (such as structural, functional, and spatial information, amino acid conservation, physicochemical variation, residue mobility, and thermodynamic stability) indicates that this missense variant is not expected to disrupt TRPS1 protein function with a negative predictive value of 80%. In summary, the available evidence is currently insufficient to determine the role of this variant in disease. Therefore, it has been classified as a Variant of Uncertain Significance.

Ambry Genetics
Classification: Uncertain significance for Inborn genetic diseases. Last evaluated: 2025-07-16. Review status: criteria provided, single submitter. Criteria: Ambry Variant Classification Scheme 2023. Collection method: clinical testing. Allele origin: germline.

NM_014112.5(TRPS1):c.2059A>G (p.Ile687Val)

Gene: TRPS1 (transcriptional repressor GATA binding 1; minus strand). Cytogenetic location: 8q23.3.
Variant type: single nucleotide variant.
Coding change: c.2059A>G on transcript NM_014112.5 (MANE Select); coding-DNA position 2059, A replaced by G.
Protein change: p.Ile687Val; replaces isoleucine 687 with valine.
Molecular consequence: missense variant.
Genome position (GRCh38, 1-based): chr8:115,603,910, T>C on the plus strand (A>G on the coding strand, the complement: TRPS1 is on the minus strand). VCF-style: chr8-115603910-T-C. GRCh37 (hg19) VCF-style: chr8-116616137-T-C.
Other names: c.2032A>G, p.Ile678Val (NM_001282902.3); c.2038A>G, p.Ile680Val (NM_001282903.3); c.2020A>G, p.Ile674Val (NM_001330599.2); short protein forms I687V, I674V, I680V, I678V.
Identifiers: ClinVar variation 4191892 (VCV004191892.2).